The following is an entry in ClinVar:

ClinVar aggregate classification (germline): Benign. Review status: criteria provided, single submitter (1 of 4 stars). 2 submissions from 2 submitters: Benign (1). 1 of the submissions does not count toward it. Last evaluated 2025-05-01.

Conditions:
Squamous cell lung carcinoma. Also called: Lung cancer, squamous cell, somatic; Squamous cell carcinoma of lung. Identifiers: MedGen C0149782, MONDO:0005097, HP:0030359.

Allele frequency attached by ClinVar (database versions not stated): gnomAD exomes 0.00696 and 0.01128; ExAC 0.01280; gnomAD 0.03122 and 0.03327; ESP Exome Variant Server 0.03468; 1000 Genomes Project 0.03514; TOPMed 0.03709; 1000 Genomes Project 30x 0.03748.
gnomAD v4.1: 15,091 of 1,614,190 alleles (0.93%); highest among the groups gnomAD compares: African/African-American, 9.6%; 416 homozygotes.

Submissions (2):

CeGaT Center for Human Genetics Tuebingen
Classification: Benign. Last evaluated: 2025-05-01. Review status: criteria provided, single submitter. Criteria: CeGaT Center For Human Genetics Tuebingen Variant Classification Criteria Version 2. Collection method: clinical testing. Allele origin: germline. Affected: yes. Observed: 1 variant allele.
Comment: H3C2: BP4, BS1, BS2

Faculté Pluridciplinaire Nador, Université Mohamed Premier
Classification: Likely benign for Squamous Cell Lung Carcinoma. Last evaluated: 2020-05-05. Review status: no assertion criteria provided. Collection method: clinical testing, in vivo. Allele origin: somatic. Affected: yes. Observed: 1 variant allele. Not counted in ClinVar's aggregate classification.

Literature cited by the submitters: DOI 10.3389/fonc.2020.01215 (cited by Faculté Pluridciplinaire Nador, Université Mohamed Premier).

NM_003537.4(H3C2):c.327C>T (p.Asn109=)

Gene: H3C2 (H3 clustered histone 2; minus strand). Cytogenetic location: 6p22.2.
Variant type: single nucleotide variant.
Coding change: c.327C>T on transcript NM_003537.4 (MANE Select); coding-DNA position 327, C replaced by T.
Protein change: p.Asn109=; no amino-acid change (asparagine 109 retained).
Molecular consequence: synonymous variant.
Genome position (GRCh38, 1-based): chr6:26,031,734, G>A on the plus strand (C>T on the coding strand, the complement: H3C2 is on the minus strand). VCF-style: chr6-26031734-G-A. GRCh37 (hg19) VCF-style: chr6-26031962-G-A.
Identifiers: ClinVar variation 873165 (VCV000873165.12), dbSNP rs34966100, ClinGen allele CA3665141.